The following is an entry in ClinVar:

NC_000009.12:g.(?_136429675)_(136438954_?)del

Gene: INPP5E (inositol polyphosphate-5-phosphatase E; minus strand). Cytogenetic location: 9q34.3.
Variant type: Deletion.
Identifiers: ClinVar variation 832414 (VCV000832414.10).

ClinVar aggregate classification (germline): Pathogenic (1 of 4 stars; one submission).

Conditions:
Joubert syndrome. Also called: CEREBELLOPARENCHYMAL DISORDER IV; JOUBERT-BOLTSHAUSER SYNDROME; Familial aplasia of the vermis. Identifiers: Orphanet 475, MedGen C5979921, MONDO:0018772.

Submission:

Labcorp Genetics (formerly Invitae), Labcorp
Classification: Pathogenic for Joubert syndrome. Last evaluated: 2022-06-13. Review status: criteria provided, single submitter. Criteria: Invitae Variant Classification Sherloc (09022015). Collection method: clinical testing. Allele origin: germline.
Comment: For these reasons, this variant has been classified as Pathogenic. This variant disrupts a region of the INPP5E protein in which other variant(s) (p.Arg621Gln) have been determined to be pathogenic (PMID: 23034536, 28559085, 29146704, 34188062). This suggests that this is a clinically significant region of the protein, and that variants that disrupt it are likely to be disease-causing. This variant has not been reported in the literature in individuals affected with INPP5E-related conditions. This variant results in the deletion of exons 2-10 and part of exon 1 of the INPP5E gene. While this deletion is not anticipated to lead to nonsense mediated decay, it is expected to alter mRNA translation or result in a truncated protein product.

Literature cited by the submitters: PubMed 23034536; PubMed 28559085; PubMed 29146704; PubMed 34188062.